The following is an entry in ClinVar:

ClinVar aggregate classification (germline): Benign/Likely benign. Review status: criteria provided, multiple submitters, no conflicts (2 of 4 stars). 3 submissions from 3 submitters: Benign (1); Likely benign (2). Last evaluated 2025-03-19.

Conditions:
Hereditary cancer-predisposing syndrome. Also called: Hereditary neoplastic syndrome; Tumor predisposition; Neoplastic Syndromes, Hereditary; Hereditary Cancer Syndrome. Identifiers: Orphanet 140162, MedGen C0027672, MeSH D009386, MONDO:0015356.
Familial thoracic aortic aneurysm and aortic dissection (TAAD). Also called: Thoracic aortic aneurysms and dissections. Identifiers: Orphanet 91387, MedGen C4707243, MONDO:0019625.
Juvenile polyposis syndrome (JPS). Identifiers: Orphanet 2929, MedGen C0345893, MONDO:0017380, OMIM 174900.
Juvenile polyposis/hereditary hemorrhagic telangiectasia syndrome (JPHT). Also called: Juvenile Polyposis Syndrome / Hereditary Hemorrhagic Telangiectasia (JPS/HHT); JP/HHT SYNDROME; JUVENILE POLYPOSIS WITH HEREDITARY HEMORRHAGIC TELANGIECTASIA; POLYPOSIS, GENERALIZED JUVENILE, WITH PULMONARY ARTERIOVENOUS MALFORMATION; TELANGIECTASIA, HEREDITARY HEMORRHAGIC, WITH JUVENILE POLYPOSIS COLI. Identifiers: Orphanet 2929, MedGen C1832942, MONDO:0008278, OMIM 175050.

Allele frequency attached by ClinVar (database versions not stated): gnomAD exomes below 0.00001; ExAC 0.00001; gnomAD 0.00001; 1000 Genomes Project 30x 0.00016; 1000 Genomes Project 0.00020.
gnomAD v4.1: 2 of 1,614,168 alleles (0.00012%); highest among the groups gnomAD compares: Admixed American, 0.0017%; no homozygotes.

Submissions (3):

Myriad Genetics, Inc.
Classification: Benign for Juvenile polyposis/hereditary hemorrhagic telangiectasia syndrome. Last evaluated: 2025-03-19. Review status: criteria provided, single submitter. Criteria: Myriad Autosomal Dominant, Autosomal Recessive and X-Linked Classification Criteria (2023). Collection method: clinical testing. Allele origin: unknown.
Comment: This variant is considered benign. This variant is a silent/synonymous amino acid change and it is not expected to impact splicing.

Labcorp Genetics (formerly Invitae), Labcorp
Classification: Likely benign for Juvenile polyposis syndrome. Last evaluated: 2020-05-04. Review status: criteria provided, single submitter. Criteria: Invitae Variant Classification Sherloc (09022015). Collection method: clinical testing. Allele origin: germline.

Ambry Genetics
Classification: Likely benign for Hereditary cancer-predisposing syndrome; Familial thoracic aortic aneurysm and aortic dissection. Last evaluated: 2017-08-07. Review status: criteria provided, single submitter. Criteria: Ambry Variant Classification Scheme 2023. Collection method: clinical testing. Allele origin: germline.

NM_005359.6(SMAD4):c.570A>C (p.Ala190=)

Gene: SMAD4 (SMAD family member 4; plus strand). Cytogenetic location: 18q21.2.
Variant type: single nucleotide variant.
Coding change: c.570A>C on transcript NM_005359.6 (MANE Select); coding-DNA position 570, A replaced by C.
Protein change: p.Ala190=; no amino-acid change (alanine 190 retained).
Molecular consequence: synonymous variant.
Genome position (GRCh38, 1-based): chr18:51,054,896, A>C. VCF-style: chr18-51054896-A-C. GRCh37 (hg19) VCF-style: chr18-48581266-A-C.
Identifiers: ClinVar variation 484830 (VCV000484830.15), dbSNP rs200717327, ClinGen allele CA8965831.